The following is an entry in ClinVar:

ClinVar aggregate classification (germline): Uncertain significance. Review status: criteria provided, multiple submitters, no conflicts (2 of 4 stars). 2 submissions from 2 submitters: Uncertain significance (2). Last evaluated 2024-12-30.

Conditions:
Inborn genetic diseases. Identifiers: MedGen C0950123, MeSH D030342.

Submissions (2):

Ambry Genetics
Classification: Uncertain significance for Inborn genetic diseases. Last evaluated: 2024-12-30. Review status: criteria provided, single submitter. Criteria: Ambry Variant Classification Scheme 2023. Collection method: clinical testing. Allele origin: germline.
Comment: The p.S462T variant (also known as c.1385G>C), located in coding exon 1 of the SAMD9L gene, results from a G to C substitution at nucleotide position 1385. The serine at codon 462 is replaced by threonine, an amino acid with similar properties. This amino acid position is conserved. In addition, this alteration is predicted to be tolerated by in silico analysis. Based on the available evidence, the clinical significance of this variant remains unclear.

Labcorp Genetics (formerly Invitae), Labcorp
Classification: Uncertain significance. Last evaluated: 2023-07-30. Review status: criteria provided, single submitter. Criteria: Invitae Variant Classification Sherloc (09022015). Collection method: clinical testing. Allele origin: germline.
Comment: In summary, the available evidence is currently insufficient to determine the role of this variant in disease. Therefore, it has been classified as a Variant of Uncertain Significance. Advanced modeling of protein sequence and biophysical properties (such as structural, functional, and spatial information, amino acid conservation, physicochemical variation, residue mobility, and thermodynamic stability) performed at Invitae indicates that this missense variant is not expected to disrupt SAMD9L protein function. This variant has not been reported in the literature in individuals affected with SAMD9L-related conditions. This variant is not present in population databases (gnomAD no frequency). This sequence change replaces serine, which is neutral and polar, with threonine, which is neutral and polar, at codon 462 of the SAMD9L protein (p.Ser462Thr).

NM_152703.5(SAMD9L):c.1385G>C (p.Ser462Thr)

Gene: SAMD9L (sterile alpha motif domain containing 9 like; minus strand). Cytogenetic location: 7q21.2.
Variant type: single nucleotide variant.
Coding change: c.1385G>C on transcript NM_152703.5 (MANE Select); coding-DNA position 1385, G replaced by C.
Protein change: p.Ser462Thr; replaces serine 462 with threonine.
Molecular consequence: missense variant.
Genome position (GRCh38, 1-based): chr7:93,134,587, C>G on the plus strand (G>C on the coding strand, the complement: SAMD9L is on the minus strand). VCF-style: chr7-93134587-C-G. GRCh37 (hg19) VCF-style: chr7-92763900-C-G.
Other names: c.1385G>C, p.Ser462Thr (NM_001303496.3, NM_001303497.3, NM_001303498.3 and 5 more transcripts); c.1385G>C (NM_152703.2); short protein forms S462T.
Identifiers: ClinVar variation 2790270 (VCV002790270.4), dbSNP rs758914005, ClinGen allele CA368196978.